The following is an entry in ClinVar:

NM_177438.3(DICER1):c.4992G>A (p.Ser1664=)

Gene: DICER1 (dicer 1, ribonuclease III; minus strand). Cytogenetic location: 14q32.13.
Variant type: single nucleotide variant.
Coding change: c.4992G>A on transcript NM_177438.3 (MANE Select); coding-DNA position 4992, G replaced by A.
Protein change: p.Ser1664=; no amino-acid change (serine 1664 retained).
Molecular consequence: synonymous variant.
Genome position (GRCh38, 1-based): chr14:95,095,928, C>T on the plus strand (G>A on the coding strand, the complement: DICER1 is on the minus strand). VCF-style: chr14-95095928-C-T. GRCh37 (hg19) VCF-style: chr14-95562265-C-T.
Other names: c.4992G>A, p.Ser1664= (NM_001195573.1, NM_001271282.3, NM_001291628.2 and 1 more transcripts).
Identifiers: ClinVar variation 825348 (VCV000825348.16), dbSNP rs781268313, ClinGen allele CA7330760.

ClinVar aggregate classification (germline): Benign/Likely benign. Review status: criteria provided, multiple submitters, no conflicts (2 of 4 stars). 4 submissions from 4 submitters: Benign (1); Likely benign (3). Last evaluated 2026-04-20.

Conditions:
DICER1-related tumor predisposition. Also called: DICER1 syndrome; DICER1-related pleuropulmonary blastoma cancer predisposition syndrome. Identifiers: Orphanet 284343, MedGen C3839822, MONDO:0100216.
Hereditary cancer-predisposing syndrome. Also called: Tumor predisposition; Hereditary Cancer Syndrome; Hereditary neoplastic syndrome; Neoplastic Syndromes, Hereditary. Identifiers: Orphanet 140162, MedGen C0027672, MeSH D009386, MONDO:0015356.

Allele frequency attached by ClinVar (database versions not stated): gnomAD exomes 0.00005 and 0.00002; TOPMed below 0.00001; ExAC 0.00006.
gnomAD v4.1: 24 of 1,614,018 alleles (0.0015%); highest among the groups gnomAD compares: South Asian, 0.023%; no homozygotes.

Submissions (4):

Myriad Genetics, Inc.
Classification: Benign for DICER1-related tumor predisposition. Last evaluated: 2026-04-20. Review status: criteria provided, single submitter. Criteria: Myriad Autosomal Dominant, Autosomal Recessive and X-Linked Classification Criteria (2023). Collection method: clinical testing. Allele origin: unknown.
Comment: This variant is considered benign. This variant is a silent/synonymous amino acid change and it is not expected to impact splicing.

Labcorp Genetics (formerly Invitae), Labcorp
Classification: Likely benign for DICER1-related tumor predisposition. Last evaluated: 2025-11-03. Review status: criteria provided, single submitter. Criteria: Invitae Variant Classification Sherloc (09022015). Collection method: clinical testing. Allele origin: germline.

Center for Genomic Medicine, Rigshospitalet, Copenhagen University Hospital
Classification: Likely benign. Last evaluated: 2025-03-04. Review status: criteria provided, single submitter. Criteria: ACMG Guidelines, 2015. Collection method: clinical testing. Allele origin: germline.
Comment: Classification criteria: BP7, BP4

Ambry Genetics
Classification: Likely benign for Hereditary cancer-predisposing syndrome. Last evaluated: 2019-09-27. Review status: criteria provided, single submitter. Criteria: Ambry Variant Classification Scheme 2023. Collection method: clinical testing. Allele origin: germline.